The following is an entry in ClinVar:

NM_015311.3(OBSL1):c.1075G>A (p.Val359Met)

Gene: OBSL1 (obscurin like cytoskeletal adaptor 1; minus strand). Cytogenetic location: 2q35.
Variant type: single nucleotide variant.
Coding change: c.1075G>A on transcript NM_015311.3 (MANE Select); coding-DNA position 1075, G replaced by A.
Protein change: p.Val359Met; replaces valine 359 with methionine.
Molecular consequence: missense variant.
Genome position (GRCh38, 1-based): chr2:219,568,262, C>T on the plus strand (G>A on the coding strand, the complement: OBSL1 is on the minus strand). VCF-style: chr2-219568262-C-T. GRCh37 (hg19) VCF-style: chr2-220432984-C-T.
Other names: c.1075G>A, p.Val359Met (NM_001173408.2, NM_001173431.2); short protein forms V359M.
Identifiers: ClinVar variation 334527 (VCV000334527.11), dbSNP rs763498145, ClinGen allele CA2131643.

ClinVar aggregate classification (germline): Uncertain significance. Review status: criteria provided, multiple submitters, no conflicts (2 of 4 stars). 2 submissions from 2 submitters: Uncertain significance (2). Last evaluated 2023-07-17.

Conditions:
3M syndrome 2. Also called: 3-M Syndrome, OBSL1-Related; THREE M SYNDROME 2. Identifiers: Orphanet 2616, MedGen C2752041, MONDO:0013039, OMIM 612921.

Allele frequency attached by ClinVar (database versions not stated): gnomAD exomes 0.00002 and 0.00003; TOPMed 0.00002; ExAC 0.00003; gnomAD 0.00003.
gnomAD v4.1: 29 of 1,611,866 alleles (0.0018%); highest among the groups gnomAD compares: African/African-American, 0.0067%; no homozygotes.

Submissions (2):

Labcorp Genetics (formerly Invitae), Labcorp
Classification: Uncertain significance. Last evaluated: 2023-07-17. Review status: criteria provided, single submitter. Criteria: Invitae Variant Classification Sherloc (09022015). Collection method: clinical testing. Allele origin: germline.
Comment: In summary, the available evidence is currently insufficient to determine the role of this variant in disease. Therefore, it has been classified as a Variant of Uncertain Significance. An algorithm developed to predict the effect of missense changes on protein structure and function (PolyPhen-2) suggests that this variant is likely to be disruptive. ClinVar contains an entry for this variant (Variation ID: 334527). This variant has not been reported in the literature in individuals affected with OBSL1-related conditions. This variant is present in population databases (rs763498145, gnomAD 0.007%). This sequence change replaces valine, which is neutral and non-polar, with methionine, which is neutral and non-polar, at codon 359 of the OBSL1 protein (p.Val359Met).

Illumina Laboratory Services, Illumina
Classification: Uncertain significance for 3M syndrome 2. Last evaluated: 2018-01-12. Review status: criteria provided, single submitter. Criteria: ICSL Variant Classification Criteria 13 December 2019. Collection method: clinical testing. Allele origin: germline.